The following is an entry in ClinVar:

NM_000321.3(RB1):c.2350C>T (p.His784Tyr)

Gene: RB1 (RB transcriptional corepressor 1; plus strand). Cytogenetic location: 13q14.2.
Variant type: single nucleotide variant.
Coding change: c.2350C>T on transcript NM_000321.3 (MANE Select); coding-DNA position 2350, C replaced by T.
Protein change: p.His784Tyr; replaces histidine 784 with tyrosine.
Molecular consequence: missense variant.
Genome position (GRCh38, 1-based): chr13:48,465,229, C>T. VCF-style: chr13-48465229-C-T. GRCh37 (hg19) VCF-style: chr13-49039365-C-T.
Other names: c.2350C>T, p.His784Tyr (NM_001407165.1); short protein forms H784Y.
Identifiers: ClinVar variation 3390832 (VCV003390832.2).

ClinVar aggregate classification (germline): Uncertain significance. Review status: criteria provided, multiple submitters, no conflicts (2 of 4 stars). 2 submissions from 2 submitters: Uncertain significance (2). Last evaluated 2026-01-07.

Conditions:
Hereditary cancer-predisposing syndrome. Also called: Hereditary neoplastic syndrome; Tumor predisposition; Neoplastic Syndromes, Hereditary; Hereditary Cancer Syndrome. Identifiers: Orphanet 140162, MedGen C0027672, MeSH D009386, MONDO:0015356.

Submissions (2):

Ambry Genetics
Classification: Uncertain significance for Hereditary cancer-predisposing syndrome. Last evaluated: 2026-01-07. Review status: criteria provided, single submitter. Criteria: Ambry Variant Classification Scheme 2023. Collection method: clinical testing. Allele origin: germline.
Comment: The p.H784Y variant (also known as c.2350C>T), located in coding exon 23 of the RB1 gene, results from a C to T substitution at nucleotide position 2350. The histidine at codon 784 is replaced by tyrosine, an amino acid with similar properties. This amino acid position is well conserved in available vertebrate species. In addition, this alteration is predicted to be tolerated by in silico analysis. Based on the available evidence, the clinical significance of this variant remains unclear.

GeneDx
Classification: Uncertain significance. Last evaluated: 2024-06-10. Review status: criteria provided, single submitter. Criteria: GeneDx Variant Classification Process June 2021. Collection method: clinical testing. Allele origin: germline. Affected: yes.
Comment: Not observed at significant frequency in large population cohorts (gnomAD); In silico analysis indicates that this missense variant does not alter protein structure/function; Has not been previously published as pathogenic or benign to our knowledge; This variant is associated with the following publications: (PMID: 23516486)